The following is an entry in ClinVar:

NM_003482.4(KMT2D):c.8453G>A (p.Trp2818Ter)

Gene: KMT2D (lysine methyltransferase 2D; minus strand). Cytogenetic location: 12q13.12.
Variant type: single nucleotide variant.
Coding change: c.8453G>A on transcript NM_003482.4 (MANE Select); coding-DNA position 8453, G replaced by A.
Protein change: p.Trp2818Ter; replaces tryptophan 2818 with a stop codon.
Molecular consequence: nonsense.
Genome position (GRCh38, 1-based): chr12:49,038,903, C>T on the plus strand (G>A on the coding strand, the complement: KMT2D is on the minus strand). VCF-style: chr12-49038903-C-T. GRCh37 (hg19) VCF-style: chr12-49432686-C-T.
Other names: short protein forms W2818*.
Identifiers: ClinVar variation 2445621 (VCV002445621.2), dbSNP rs2120505590, ClinGen allele CA384742230.

ClinVar aggregate classification (germline): Pathogenic. Review status: criteria provided, single submitter (1 of 4 stars). 2 submissions from 2 submitters: Pathogenic (1). 1 of the submissions does not count toward it. Last evaluated 2025-07-31.

Conditions:
Kabuki syndrome 1 (KABUK1). Also called: KMT2D-Related Kabuki Syndrome. Identifiers: Orphanet 2322, MedGen CN030661, MONDO:0007843, OMIM 147920.

Submissions (2):

GeneDx
Classification: Pathogenic. Last evaluated: 2025-07-31. Review status: criteria provided, single submitter. Criteria: GeneDx Variant Classification Process June 2021. Collection method: clinical testing. Allele origin: germline. Affected: yes.
Comment: Identified in a fetus with small size and multiple structural anomalies; however detailed clinical information and parental segregation were not provided (PMID: 38253798); Nonsense variant predicted to result in protein truncation or nonsense mediated decay in a gene for which loss of function is a known mechanism of disease; Not observed at significant frequency in large population cohorts (gnomAD); This variant is associated with the following publications: (PMID: 38253798)

Institute Of Reproduction And Development, Obstetrics and Gynecology Hospital, Fudan University
Classification: Likely pathogenic for Kabuki syndrome 1. Last evaluated: 2021-11-25. Review status: no assertion criteria provided. Collection method: research. Allele origin: germline. Affected: yes. Not counted in ClinVar's aggregate classification.